The following is an entry in ClinVar:

NM_134261.3(RORA):c.197-26447T>C

Genes: RORA (RAR related orphan receptor A; minus strand), RORA-AS1 (RORA antisense RNA 1; plus strand). Cytogenetic location: 15q22.2.
Variant type: single nucleotide variant.
Coding change: c.197-26447T>C on transcript NM_134261.3 (MANE Select); 26447 bases into the intron before coding-DNA position 197, T replaced by C.
Molecular consequence: intron variant. On other transcripts: missense variant (1).
Genome position (GRCh38, 1-based): chr15:60,558,298, A>G on the plus strand (T>C on the coding strand, the complement: RORA is on the minus strand). VCF-style: chr15-60558298-A-G. GRCh37 (hg19) VCF-style: chr15-60850497-A-G.
Other names: p.Leu49Pro; c.146T>C, p.Leu49Pro (NM_134260.3); c.272-26447T>C (NM_002943.4); c.32-26447T>C (NM_134262.3); short protein forms L49P.
Identifiers: ClinVar variation 1677314 (VCV001677314.3), dbSNP rs200399670, ClinGen allele CA7593822.

ClinVar aggregate classification (germline): Uncertain significance (1 of 4 stars; one submission).

Conditions:
Intellectual developmental disorder with or without epilepsy or cerebellar ataxia. Identifiers: MedGen C4748041, MONDO:0060745, OMIM 618060.

gnomAD v4.1: 2 of 1,611,972 alleles (0.00012%); highest among the groups gnomAD compares: South Asian, 0.0022%; no homozygotes.

Submission:

Foundation for Research in Genetics and Endocrinology, FRIGE's Institute of Human Genetics
Classification: Uncertain significance for Intellectual developmental disorder with or without epilepsy or cerebellar ataxia. Last evaluated: 2022-02-08. Review status: criteria provided, single submitter. Criteria: ACMG Guidelines, 2015. Collection method: clinical testing. Allele origin: germline. Inheritance: Autosomal dominant inheritance. Affected: yes. Observed: 1 heterozygote.
Comment: A heterozygous missense variation in exon 2 of the RORA gene that results in the amino acid substitution of Proline for Leucine at codon 49 was detected. The observed variant c.146T>C (p.Leu49Pro) has not been reported in the 1000 genomes and gnomAD databases. The reference codon is conserved across species.